The following is an entry in ClinVar:

NM_001081.4(CUBN):c.5959G>A (p.Ala1987Thr)

Gene: CUBN (cubilin; minus strand). Cytogenetic location: 10p13.
Variant type: single nucleotide variant.
Coding change: c.5959G>A on transcript NM_001081.4 (MANE Select); coding-DNA position 5959, G replaced by A.
Protein change: p.Ala1987Thr; replaces alanine 1987 with threonine.
Molecular consequence: missense variant.
Genome position (GRCh38, 1-based): chr10:16,933,252, C>T on the plus strand (G>A on the coding strand, the complement: CUBN is on the minus strand). VCF-style: chr10-16933252-C-T. GRCh37 (hg19) VCF-style: chr10-16975251-C-T.
Other names: short protein forms A1987T.
Identifiers: ClinVar variation 4616740 (VCV004616740.2).

ClinVar aggregate classification (germline): Conflicting classifications of pathogenicity. Review status: criteria provided, conflicting classifications (1 of 4 stars). 2 submissions from 2 submitters: Uncertain significance (1); Likely benign (1). Last evaluated 2026-03-28.

Conditions:
Inborn genetic diseases. Identifiers: MedGen C0950123, MeSH D030342.

gnomAD v4.1: 13 of 1,613,860 alleles (0.00081%); highest among the groups gnomAD compares: African/African-American, 0.013%; no homozygotes.

Submissions (2):

GeneDx
Classification: Uncertain significance. Last evaluated: 2026-03-28. Review status: criteria provided, single submitter. Criteria: GeneDx Variant Classification Process June 2021. Collection method: clinical testing. Allele origin: germline.
Comment: Not observed at significant frequency in large population cohorts (gnomAD); In silico analysis suggests that this missense variant does not alter protein structure/function; Has not been previously published as pathogenic or benign to our knowledge

Ambry Genetics
Classification: Likely benign for Inborn genetic diseases. Last evaluated: 2025-11-11. Review status: criteria provided, single submitter. Criteria: Ambry Variant Classification Scheme 2023. Collection method: clinical testing. Allele origin: germline.